The following is an entry in ClinVar:

NM_003482.4(KMT2D):c.14695T>A (p.Ser4899Thr)

Gene: KMT2D (lysine methyltransferase 2D; minus strand). Cytogenetic location: 12q13.12.
Variant type: single nucleotide variant.
Coding change: c.14695T>A on transcript NM_003482.4 (MANE Select); coding-DNA position 14695, T replaced by A.
Protein change: p.Ser4899Thr; replaces serine 4899 with threonine.
Molecular consequence: missense variant.
Genome position (GRCh38, 1-based): chr12:49,027,271, A>T on the plus strand (T>A on the coding strand, the complement: KMT2D is on the minus strand). VCF-style: chr12-49027271-A-T. GRCh37 (hg19) VCF-style: chr12-49421054-A-T.
Other names: short protein forms S4899T.
Identifiers: ClinVar variation 2305624 (VCV002305624.2), dbSNP rs2120370652, ClinGen allele CA384692193.

ClinVar aggregate classification (germline): Uncertain significance (1 of 4 stars; one submission).

Conditions:
Inborn genetic diseases. Identifiers: MedGen C0950123, MeSH D030342.

Submission:

Ambry Genetics
Classification: Uncertain significance for Inborn genetic diseases. Last evaluated: 2022-09-12. Review status: criteria provided, single submitter. Criteria: Ambry Variant Classification Scheme 2023. Collection method: clinical testing. Allele origin: germline.
Comment: The c.14695T>A (p.S4899T) alteration is located in exon 48 (coding exon 48) of the KMT2D gene. This alteration results from a T to A substitution at nucleotide position 14695, causing the serine (S) at amino acid position 4899 to be replaced by a threonine (T). This variant was not reported in population-based cohorts in the Genome Aggregation Database (gnomAD). This amino acid position is not well conserved in available vertebrate species. This alteration is predicted to be tolerated by in silico analysis. Based on insufficient or conflicting evidence, the clinical significance of this alteration remains unclear.